The following is an entry in ClinVar:

ClinVar aggregate classification (germline): Conflicting classifications of pathogenicity. Review status: criteria provided, conflicting classifications (1 of 4 stars). 2 submissions from 2 submitters: Uncertain significance (1); Likely benign (1). Last evaluated 2025-08-25.

Conditions:
Emery-Dreifuss muscular dystrophy 5, autosomal dominant (EDMD5). Also called: EMERY-DREIFUSS MUSCULAR DYSTROPHY 5. Identifiers: Orphanet 261, MedGen C2751805, MONDO:0013072, OMIM 612999.

Allele frequency attached by ClinVar (database versions not stated): gnomAD exomes below 0.00001; ExAC 0.00001; TOPMed 0.00001; ESP Exome Variant Server 0.00008.
gnomAD v4.1: 1 of 1,614,190 alleles (0.000062%); highest among the groups gnomAD compares: African/African-American, 0.0013%; no homozygotes.

Submissions (2):

Ambry Genetics
Classification: Likely benign. Last evaluated: 2025-08-25. Review status: criteria provided, single submitter. Criteria: Ambry Variant Classification Scheme 2023. Collection method: clinical testing. Allele origin: germline.

Labcorp Genetics (formerly Invitae), Labcorp
Classification: Uncertain significance for Emery-Dreifuss muscular dystrophy 5, autosomal dominant. Last evaluated: 2022-03-08. Review status: criteria provided, single submitter. Criteria: Invitae Variant Classification Sherloc (09022015). Collection method: clinical testing. Allele origin: germline.
Comment: In summary, the available evidence is currently insufficient to determine the role of this variant in disease. Therefore, it has been classified as a Variant of Uncertain Significance. Algorithms developed to predict the effect of missense changes on protein structure and function output the following: SIFT: "Tolerated"; PolyPhen-2: "Benign"; Align-GVGD: "Class C0". The valine amino acid residue is found in multiple mammalian species, which suggests that this missense change does not adversely affect protein function. This variant has not been reported in the literature in individuals affected with SYNE2-related conditions. This variant is present in population databases (rs139545002, gnomAD 0.007%). This sequence change replaces isoleucine, which is neutral and non-polar, with valine, which is neutral and non-polar, at codon 5373 of the SYNE2 protein (p.Ile5373Val).

NM_182914.3(SYNE2):c.16117A>G (p.Ile5373Val)

Gene: SYNE2 (spectrin repeat containing nuclear envelope protein 2; plus strand). Cytogenetic location: 14q23.2.
Variant type: single nucleotide variant.
Coding change: c.16117A>G on transcript NM_182914.3 (MANE Select); coding-DNA position 16117, A replaced by G.
Protein change: p.Ile5373Val; replaces isoleucine 5373 with valine.
Molecular consequence: missense variant.
Genome position (GRCh38, 1-based): chr14:64,162,094, A>G. VCF-style: chr14-64162094-A-G. GRCh37 (hg19) VCF-style: chr14-64628812-A-G.
Other names: c.16117A>G, p.Ile5373Val (NM_015180.6); c.16117A>G (NM_182914.2); short protein forms I5373V.
Identifiers: ClinVar variation 1376229 (VCV001376229.7), dbSNP rs139545002, ClinGen allele CA7223283.
Genomic context (GRCh38, chr14:64,162,094, plus strand): 5'-AGAGAATGAGGGTTATGTTATTTGCGTTGCACTGACAGGTGGACTCAGGTGAACCAAGCC[A>G]TTGCAGACCAGTTGCAGAAGGCCCAGAGTCTGCTCCAGCTCTGGAAGGCCTATAGCAATG-3'
Protein context (NP_878918.2, residues 5363-5383): HKRWTQVNQA[Ile5373Val]ADQLQKAQSL